The following is an entry in ClinVar:

NM_001042413.2(GLIS3):c.*711C>G

Gene: GLIS3 (GLIS family zinc finger 3; minus strand). Cytogenetic location: 9p24.2.
Variant type: single nucleotide variant.
Coding change: c.*711C>G on transcript NM_001042413.2 (MANE Select); 711 bases downstream of the stop codon, C replaced by G.
Molecular consequence: 3 prime UTR variant.
Genome position (GRCh38, 1-based): chr9:3,827,561, G>C on the plus strand (C>G on the coding strand, the complement: GLIS3 is on the minus strand). VCF-style: chr9-3827561-G-C. GRCh37 (hg19) VCF-style: chr9-3827561-G-C.
Other names: c.*711C>G (NM_152629.4).
Identifiers: ClinVar variation 366945 (VCV000366945.6), dbSNP rs4997836, ClinGen allele CA10633759.

ClinVar aggregate classification (germline): Benign. Review status: criteria provided, multiple submitters, no conflicts (2 of 4 stars). 2 submissions from 2 submitters: Benign (2). Last evaluated 2018-01-12.

Conditions:
Neonatal diabetes mellitus with congenital hypothyroidism. Also called: NDH SYNDROME. Identifiers: Orphanet 79118, MedGen C1857775, MONDO:0012436, OMIM 610199.

Allele frequency attached by ClinVar (database versions not stated): 1000 Genomes Project 30x 0.03295; 1000 Genomes Project 0.03415; TOPMed 0.07230; gnomAD 0.07604 and 0.07855; gnomAD exomes 0.08255.
gnomAD v4.1: 11,670 of 153,004 alleles (7.6%); highest among the groups gnomAD compares: Non-Finnish European, 11%; 572 homozygotes.

Submissions (2):

Illumina Laboratory Services, Illumina
Classification: Benign for Neonatal diabetes mellitus with congenital hypothyroidism. Last evaluated: 2018-01-12. Review status: criteria provided, single submitter. Criteria: ICSL Variant Classification Criteria 13 December 2019. Collection method: clinical testing. Allele origin: germline.
Comment: This variant was observed in the ICSL laboratory as part of a predisposition screen in an ostensibly healthy population. It had not been previously curated by ICSL or reported in the Human Gene Mutation Database (HGMD: prior to June 1st, 2018), and was therefore a candidate for classification through an automated scoring system. Utilizing variant allele frequency, disease prevalence and penetrance estimates, and inheritance mode, an automated score was calculated to assess if this variant is too frequent to cause the disease. Based on the score and internal cut-off values, a variant classified as benign is not then subjected to further curation. The score for this variant resulted in a classification of benign for this disease.

Breakthrough Genomics
Classification: Benign. Review status: criteria provided, single submitter. Criteria: ACMG Guidelines, 2015. Collection method: not provided. Allele origin: germline. Inheritance: Autosomal recessive inheritance. Affected: yes.